The following is an entry in ClinVar:

ClinVar aggregate classification (germline): Uncertain significance (1 of 4 stars; one submission).

Conditions:
Developmental and epileptic encephalopathy 94 (DEE94). Also called: Epileptic encephalopathy, childhood-onset; CHD2-Related Neurodevelopmental Disorders. Identifiers: Orphanet 1942, Orphanet 2382, MedGen C3809278, MONDO:0014150, OMIM 615369.

Submission:

Kasturba Medical College, Manipal, Kasturba Medical College, Manipal, Manipal Academy of Higher Education, Manipal, India
Classification: Uncertain significance for Developmental and epileptic encephalopathy 94. Last evaluated: 2026-09-25. Review status: criteria provided, single submitter. Criteria: ACMG Guidelines, 2015. Collection method: research. Allele origin: paternal. Inheritance: Autosomal dominant inheritance. Affected: yes. Observed: 1 variant allele, 1 heterozygote.
Comment: The variant c.4943A>C is not observed in gnomAD (v4.0) population database and in our in-house data of 4465 exomes. In-silico analysis tools (REVEL and CADD) predict the variant to be disease-causing and likely to affect the CHD2 protein function.

NM_001271.4(CHD2):c.4943A>C (p.Tyr1648Ser)

Gene: CHD2 (chromodomain helicase DNA binding protein 2; plus strand). Cytogenetic location: 15q26.1.
Variant type: single nucleotide variant.
Coding change: c.4943A>C on transcript NM_001271.4 (MANE Select); coding-DNA position 4943, A replaced by C.
Protein change: p.Tyr1648Ser; replaces tyrosine 1648 with serine.
Molecular consequence: missense variant.
Genome position (GRCh38, 1-based): chr15:93,020,048, A>C. VCF-style: chr15-93020048-A-C. GRCh37 (hg19) VCF-style: chr15-93563278-A-C.
Other names: short protein forms Y1648S.
Identifiers: ClinVar variation 5036683 (VCV005036683.1).